The following is an entry in ClinVar:

ClinVar aggregate classification (germline): Pathogenic (1 of 4 stars; one submission).

Conditions:
GM3 synthase deficiency (SPDRS). Also called: AMISH INFANTILE EPILEPSY SYNDROME; SALT AND PEPPER DEVELOPMENTAL REGRESSION SYNDROME; SALT AND PEPPER MENTAL RETARDATION SYNDROME. Identifiers: Orphanet 171714, Orphanet 370933, MedGen C1836824, MONDO:0018274, OMIM 609056.

Allele frequency attached by ClinVar (database versions not stated): gnomAD exomes below 0.00001.

Submission:

Labcorp Genetics (formerly Invitae), Labcorp
Classification: Pathogenic for GM3 synthase deficiency. Last evaluated: 2023-08-10. Review status: criteria provided, single submitter. Criteria: Invitae Variant Classification Sherloc (09022015). Collection method: clinical testing. Allele origin: germline.
Comment: This sequence change creates a premature translational stop signal (p.Ala125Valfs*7) in the ST3GAL5 gene. It is expected to result in an absent or disrupted protein product. Loss-of-function variants in ST3GAL5 are known to be pathogenic (PMID: 15502825, 22990144, 27232954). This variant is not present in population databases (gnomAD no frequency). This variant has not been reported in the literature in individuals affected with ST3GAL5-related conditions. Algorithms developed to predict the effect of sequence changes on RNA splicing suggest that this variant may disrupt the consensus splice site. For these reasons, this variant has been classified as Pathogenic.

Literature cited by the submitters: PubMed 15502825; PubMed 22990144; PubMed 27232954.

NM_003896.4(ST3GAL5):c.374_381del (p.Ala125fs)

Gene: ST3GAL5 (ST3 beta-galactoside alpha-2,3-sialyltransferase 5; minus strand). Cytogenetic location: 2p11.2.
Variant type: Deletion.
Coding change: c.374_381del on transcript NM_003896.4 (MANE Select); coding-DNA positions 374 to 381, 8 bases deleted (CCAAGACA; older notation c.374_381delCCAAGACA).
Protein change: p.Ala125fs; shifts the reading frame from alanine 125.
Molecular consequence: frameshift variant. On other transcripts: 5 prime UTR variant (7).
Genome position (GRCh38, 1-based): chr2:85,848,142-85,848,149, TGTCTTGG deleted on the plus strand (CCAAGACA on the coding strand, the reverse complement: ST3GAL5 is on the minus strand). VCF-style (leftmost placement, unchanged base first): chr2-85848141-ATGTCTTGG-A. GRCh37 (hg19) VCF-style: chr2-86075264-ATGTCTTGG-A.
Other names: c.305_312del, p.Ala102fs (NM_001042437.2); c.-11_-4del (NM_001354223.2, NM_001354224.2, NM_001354226.2 and 3 more transcripts); c.290_297del, p.Ala97fs (NM_001354227.2, NM_001354229.2, NM_001354238.1); c.-531_-524del (NM_001354247.1); c.374_381del, p.Ala125fs (NM_001363847.1); short protein forms A102fs, A125fs, A97fs.
Identifiers: ClinVar variation 2772718 (VCV002772718.3), dbSNP rs2467079431, ClinGen allele CA2659893393.
Genomic context (GRCh38, chr2:85,848,141, plus strand): 5'-CCTTCTGCACAAAAGGGAGTAAGTCCACGCTATACCTGTGCTCAAATAACAGCGCCATTG[ATGTCTTGG>A]CAAACTTGGGACGACATTCCTTCTGCAAGACTTGCTGAGCATATTTCTGAGCTCTCTGGA-3'